The following is an entry in ClinVar:

NM_000199.5(SGSH):c.860G>A (p.Trp287Ter)

Gene: SGSH (N-sulfoglucosamine sulfohydrolase; minus strand). Cytogenetic location: 17q25.3.
Variant type: single nucleotide variant.
Coding change: c.860G>A on transcript NM_000199.5 (MANE Select); coding-DNA position 860, G replaced by A.
Protein change: p.Trp287Ter; replaces tryptophan 287 with a stop codon.
Molecular consequence: nonsense. On other transcripts: non-coding transcript variant (1).
Genome position (GRCh38, 1-based): chr17:80,212,160, C>T on the plus strand (G>A on the coding strand, the complement: SGSH is on the minus strand). VCF-style: chr17-80212160-C-T. GRCh37 (hg19) VCF-style: chr17-78185959-C-T.
Other names: c.860G>A, p.Trp287Ter (NM_001352921.3, NM_001352922.2); short protein forms W287*.
Identifiers: ClinVar variation 5003838 (VCV005003838.1).

ClinVar aggregate classification (germline): Pathogenic (1 of 4 stars; one submission).

Conditions:
Mucopolysaccharidosis, MPS-III-A (MPS3A). Also called: MUCOPOLYSACCHARIDOSIS, TYPE IIIA, ATTENUATED; SANFILIPPO SYNDROME A; SULFAMIDASE DEFICIENCY; mucopolysaccharidosis type 3A; Mucopolysaccharidosis type IIIA (Sanfilippo A); MPS IIIA (Sanfilippo Syndrome Type A). Identifiers: Orphanet 581, Orphanet 79269, MedGen C0086647, MONDO:0009655, OMIM 252900.

Submission:

Myriad Genetics, Inc.
Classification: Pathogenic for Mucopolysaccharidosis, MPS-III-A. Last evaluated: 2026-05-28. Review status: criteria provided, single submitter. Criteria: Myriad Autosomal Dominant, Autosomal Recessive and X-Linked Classification Criteria (2023). Collection method: clinical testing. Allele origin: unknown.
Comment: NM_000199.3(SGSH):c.860G>A(W287*) is a nonsense variant classified as pathogenic in the context of mucopolysaccharidosis type IIIA. W287* has not been observed in cases with relevant disease. Relevant functional assessments of this variant are not available in the literature. W287* has not been observed in referenced population frequency databases. In summary, NM_000199.3(SGSH):c.860G>A(W287*) is a nonsense variant in a gene where loss of function is a known mechanism of disease and is predicted to disrupt protein function. Please note: this variant was assessed in the context of healthy population screening.